The following is an entry in ClinVar:

ClinVar aggregate classification (germline): Uncertain significance (1 of 4 stars; one submission).

Allele frequency attached by ClinVar (database versions not stated): TOPMed below 0.00001.

Submission:

Labcorp Genetics (formerly Invitae), Labcorp
Classification: Uncertain significance. Last evaluated: 2022-03-20. Review status: criteria provided, single submitter. Criteria: Invitae Variant Classification Sherloc (09022015). Collection method: clinical testing. Allele origin: germline.
Comment: Algorithms developed to predict the effect of missense changes on protein structure and function are either unavailable or do not agree on the potential impact of this missense change (SIFT: "Deleterious"; PolyPhen-2: "Benign"; Align-GVGD: "Class C65"). This variant has not been reported in the literature in individuals affected with NECTIN4-related conditions. This variant is not present in population databases (gnomAD no frequency). This sequence change replaces arginine, which is basic and polar, with threonine, which is neutral and polar, at codon 324 of the NECTIN4 protein (p.Arg324Thr). In summary, the available evidence is currently insufficient to determine the role of this variant in disease. Therefore, it has been classified as a Variant of Uncertain Significance.

NM_030916.3(NECTIN4):c.971G>C (p.Arg324Thr)

Gene: NECTIN4 (nectin cell adhesion molecule 4; minus strand). Cytogenetic location: 1q23.3.
Variant type: single nucleotide variant.
Coding change: c.971G>C on transcript NM_030916.3 (MANE Select); coding-DNA position 971, G replaced by C.
Protein change: p.Arg324Thr; replaces arginine 324 with threonine.
Molecular consequence: missense variant.
Genome position (GRCh38, 1-based): chr1:161,074,640, C>G on the plus strand (G>C on the coding strand, the complement: NECTIN4 is on the minus strand). VCF-style: chr1-161074640-C-G. GRCh37 (hg19) VCF-style: chr1-161044430-C-G.
Other names: short protein forms R324T.
Identifiers: ClinVar variation 2050949 (VCV002050949.4), dbSNP rs1653329531, ClinGen allele CA343350682.